The following is an entry in ClinVar:

NM_000092.5(COL4A4):c.1578_1579delinsT (p.Lys526fs)

Gene: COL4A4 (collagen type IV alpha 4 chain; minus strand). Cytogenetic location: 2q36.3.
Variant type: Indel.
Coding change: c.1578_1579delinsT on transcript NM_000092.5 (MANE Select); coding-DNA positions 1578 to 1579, AG replaced by T.
Protein change: p.Lys526fs; shifts the reading frame from lysine 526.
Molecular consequence: frameshift variant.
Genome position (GRCh38, 1-based): chr2:227,088,697-227,088,698, CT replaced by A on the plus strand (AG replaced by T on the coding strand, the reverse complement: COL4A4 is on the minus strand). VCF-style: chr2-227088697-CT-A. GRCh37 (hg19) VCF-style: chr2-227953413-CT-A.
Other names: short protein forms K526fs.
Identifiers: ClinVar variation 5012600 (VCV005012600.1).

ClinVar aggregate classification (germline): Pathogenic (1 of 4 stars; one submission).

Conditions:
Alport syndrome. Also called: Hemorrhagic familial nephritis; Hemorrhagic hereditary nephritis; Congenital hereditary hematuria. Identifiers: Orphanet 63, MedGen C1567741, MONDO:0018965.

Submission:

Myriad Genetics, Inc.
Classification: Pathogenic for Alport syndrome. Last evaluated: 2023-12-22. Review status: criteria provided, single submitter. Criteria: Myriad Autosomal Dominant, Autosomal Recessive and X-Linked Classification Criteria (2023). Collection method: clinical testing. Allele origin: unknown.
Comment: NM_000092.4(COL4A4):c.1578_1579delAGinsT(K526Nfs*127) is expected to be pathogenic in the context of Alport syndrome, COL4A4-related. This variant is predicted to lead to an abnormal or absent protein product due to the creation of a premature termination codon in COL4A4, a gene where loss-of-function variants are known to be pathogenic. Please note: this variant was assessed in the context of healthy population screening.